The following is an entry in ClinVar:

NM_153240.5(NPHP3):c.1143A>G (p.Glu381=)

Genes: NPHP3 (nephrocystin 3; minus strand), NPHP3-ACAD11 (NPHP3-ACAD11 readthrough (NMD candidate); minus strand). Cytogenetic location: 3q22.1.
Variant type: single nucleotide variant.
Coding change: c.1143A>G on transcript NM_153240.5 (MANE Select); coding-DNA position 1143, A replaced by G.
Protein change: p.Glu381=; no amino-acid change (glutamic acid 381 retained).
Molecular consequence: synonymous variant. On other transcripts: non-coding transcript variant (1).
Genome position (GRCh38, 1-based): chr3:132,708,233, T>C on the plus strand (A>G on the coding strand, the complement: NPHP3 is on the minus strand). VCF-style: chr3-132708233-T-C. GRCh37 (hg19) VCF-style: chr3-132427077-T-C.
Identifiers: ClinVar variation 3346110 (VCV003346110.1).
Genomic context (GRCh38, chr3:132,708,233, plus strand): 5'-TCCATCTTCCAAACGATGAAAGATTAATCGAGGTTTTCCTTCAGGGTTTTTCAGAAAAGC[T>C]TCTTCACAGTCTTCCAATAAAAGGCTAGATTGGAAATCAGCATTTTGTGTGCTATACTGC-3'
Protein context (NP_694972.3, residues 371-391): LPSLLLEDCE[Glu381=]AFLKNPEGKP

ClinVar aggregate classification (germline): Likely benign (0 of 4 stars; one submission).

Conditions:
NPHP3-related disorder. Also called: NPHP3-related disorders; NPHP3-related condition. Identifiers: MedGen CN379163.

Submission:

PreventionGenetics, part of Exact Sciences
Classification: Likely benign for NPHP3-related condition. Last evaluated: 2024-07-30. Review status: no assertion criteria provided. Collection method: clinical testing. Allele origin: germline.
Comment: This variant is classified as likely benign based on ACMG/AMP sequence variant interpretation guidelines (Richards et al. 2015 PMID: 25741868, with internal and published modifications).